The following is an entry in ClinVar:

ClinVar aggregate classification (germline): Uncertain significance (1 of 4 stars; one submission).

Conditions:
Bardet-Biedl syndrome (BBS). Identifiers: Orphanet 110, MedGen C0752166, MONDO:0015229.

Allele frequency attached by ClinVar (database versions not stated): gnomAD 0.00001; 1000 Genomes Project 30x 0.00016; 1000 Genomes Project 0.00020.

Submission:

Labcorp Genetics (formerly Invitae), Labcorp
Classification: Uncertain significance for Bardet-Biedl syndrome. Last evaluated: 2022-03-10. Review status: criteria provided, single submitter. Criteria: Invitae Variant Classification Sherloc (09022015). Collection method: clinical testing. Allele origin: germline.
Comment: In summary, the available evidence is currently insufficient to determine the role of this variant in disease. Therefore, it has been classified as a Variant of Uncertain Significance. Algorithms developed to predict the effect of missense changes on protein structure and function output the following: SIFT: "Tolerated"; PolyPhen-2: "Benign"; Align-GVGD: "Class C0". The arginine amino acid residue is found in multiple mammalian species, which suggests that this missense change does not adversely affect protein function. This variant has not been reported in the literature in individuals affected with WDPCP-related conditions. This variant is not present in population databases (gnomAD no frequency). This sequence change replaces lysine, which is basic and polar, with arginine, which is basic and polar, at codon 81 of the WDPCP protein (p.Lys81Arg).

NM_015910.7(WDPCP):c.242A>G (p.Lys81Arg)

Gene: WDPCP (WD repeat containing planar cell polarity effector; minus strand). Cytogenetic location: 2p15.
Variant type: single nucleotide variant.
Coding change: c.242A>G on transcript NM_015910.7 (MANE Select); coding-DNA position 242, A replaced by G.
Protein change: p.Lys81Arg; replaces lysine 81 with arginine.
Molecular consequence: missense variant. On other transcripts: non-coding transcript variant (2).
Genome position (GRCh38, 1-based): chr2:63,486,553, T>C on the plus strand (A>G on the coding strand, the complement: WDPCP is on the minus strand). VCF-style: chr2-63486553-T-C. GRCh37 (hg19) VCF-style: chr2-63713687-T-C.
Other names: c.170A>G, p.Lys57Arg (NM_001354044.2); c.242A>G, p.Lys81Arg (NM_001354045.2); short protein forms K81R, K57R.
Identifiers: ClinVar variation 1369513 (VCV001369513.8), dbSNP rs545984327, ClinGen allele CA1682558.